The following is an entry in ClinVar:

ClinVar aggregate classification (germline): Uncertain significance. Review status: criteria provided, multiple submitters, no conflicts (2 of 4 stars). 5 submissions from 5 submitters: Uncertain significance (5). Last evaluated 2026-01-11.

Conditions:
Hereditary cancer-predisposing syndrome. Also called: Hereditary Cancer Syndrome; Neoplastic Syndromes, Hereditary; Hereditary neoplastic syndrome; Tumor predisposition. Identifiers: Orphanet 140162, MedGen C0027672, MeSH D009386, MONDO:0015356.
Juvenile polyposis syndrome (JPS). Identifiers: Orphanet 2929, MedGen C0345893, MONDO:0017380, OMIM 174900.
Polyposis syndrome, hereditary mixed, 2. Identifiers: Orphanet 157794, MedGen C1864730, MONDO:0012405, OMIM 610069.

Allele frequency attached by ClinVar (database versions not stated): gnomAD exomes below 0.00001; ExAC 0.00001; gnomAD 0.00001; TOPMed 0.00001.
gnomAD v4.1: 2 of 1,613,892 alleles (0.00012%); highest among the groups gnomAD compares: Non-Finnish European, 0.00017%; no homozygotes.

Submissions (5):

Labcorp Genetics (formerly Invitae), Labcorp
Classification: Uncertain significance for Juvenile polyposis syndrome. Last evaluated: 2026-01-11. Review status: criteria provided, single submitter. Criteria: Invitae Variant Classification Sherloc (09022015). Collection method: clinical testing. Allele origin: germline.
Comment: This sequence change replaces isoleucine, which is neutral and non-polar, with valine, which is neutral and non-polar, at codon 292 of the BMPR1A protein (p.Ile292Val). This variant is present in population databases (rs746800007, gnomAD 0.006%). This variant has not been reported in the literature in individuals affected with BMPR1A-related conditions. ClinVar contains an entry for this variant (Variation ID: 822701). Invitae Evidence Modeling incorporating data from in vitro experimental studies (internal data) indicates that this missense variant is not expected to disrupt BMPR1A function with a negative predictive value of 95%. In summary, the available evidence is currently insufficient to determine the role of this variant in disease. Therefore, it has been classified as a Variant of Uncertain Significance.

Ambry Genetics
Classification: Uncertain significance for Hereditary cancer-predisposing syndrome. Last evaluated: 2025-07-29. Review status: criteria provided, single submitter. Criteria: Ambry Variant Classification Scheme 2023. Collection method: clinical testing. Allele origin: germline.
Comment: The p.I292V variant (also known as c.874A>G), located in coding exon 8 of the BMPR1A gene, results from an A to G substitution at nucleotide position 874. The isoleucine at codon 292 is replaced by valine, an amino acid with highly similar properties. This amino acid position is highly conserved in available vertebrate species. In addition, the in silico prediction for this alteration is inconclusive. Since supporting evidence is limited at this time, the clinical significance of this alteration remains unclear.

All of Us Research Program, National Institutes of Health
Classification: Uncertain significance for Juvenile polyposis syndrome. Last evaluated: 2024-03-05. Review status: criteria provided, single submitter. Criteria: ACMG Guidelines, 2015. Collection method: clinical testing. Allele origin: germline. Inheritance: Autosomal dominant inheritance. Observed: 1 variant allele, 1 heterozygote.
Comment: This missense variant replaces isoleucine with valine at codon 292 of the BMPR1A protein. Computational prediction is inconclusive regarding the impact of this variant on protein structure and function (internally defined REVEL score threshold 0.5 < inconclusive < 0.7, PMID: 27666373). To our knowledge, functional studies have not been reported for this variant. This variant has not been reported in individuals affected with hereditary cancer in the literature. This variant has been identified in 1/250794 chromosomes in the general population by the Genome Aggregation Database (gnomAD). The available evidence is insufficient to determine the role of this variant in disease conclusively. Therefore, this variant is classified as a Variant of Uncertain Significance.

This study involves interpretation of variants in research participants for the purpose of population health screening. Participant phenotype was not available at the time of variant classification. Additional details can be found in publication PMID: 35346344, PMCID: PMC8962531

Baylor Genetics
Classification: Uncertain significance for Polyposis syndrome, hereditary mixed, 2. Last evaluated: 2023-08-29. Review status: criteria provided, single submitter. Criteria: ACMG Guidelines, 2015. Collection method: clinical testing. Allele origin: unknown.

Color Diagnostics, LLC DBA Color Health
Classification: Uncertain significance for Hereditary cancer-predisposing syndrome. Last evaluated: 2022-01-21. Review status: criteria provided, single submitter. Criteria: ACMG Guidelines, 2015. Collection method: clinical testing. Allele origin: germline.
Comment: This missense variant replaces isoleucine with valine at codon 292 of the BMPR1A protein. Computational prediction is inconclusive regarding the impact of this variant on protein structure and function (internally defined REVEL score threshold 0.5 < inconclusive < 0.7, PMID: 27666373). To our knowledge, functional studies have not been reported for this variant. This variant has not been reported in individuals affected with hereditary cancer in the literature. This variant has been identified in 1/250794 chromosomes in the general population by the Genome Aggregation Database (gnomAD). The available evidence is insufficient to determine the role of this variant in disease conclusively. Therefore, this variant is classified as a Variant of Uncertain Significance.

NM_004329.3(BMPR1A):c.874A>G (p.Ile292Val)

Gene: BMPR1A (bone morphogenetic protein receptor type 1A; plus strand). Cytogenetic location: 10q23.2.
Variant type: single nucleotide variant.
Coding change: c.874A>G on transcript NM_004329.3 (MANE Select); coding-DNA position 874, A replaced by G.
Protein change: p.Ile292Val; replaces isoleucine 292 with valine.
Molecular consequence: missense variant.
Genome position (GRCh38, 1-based): chr10:86,919,177, A>G. VCF-style: chr10-86919177-A-G. GRCh37 (hg19) VCF-style: chr10-88678934-A-G.
Other names: short protein forms I292V.
Identifiers: ClinVar variation 822701 (VCV000822701.20), dbSNP rs746800007, ClinGen allele CA5585629.
Genomic context (GRCh38, chr10:86,919,177, plus strand): 5'-TCTCCCTAGCCTATCTCTGATGATAACTAACCTTTTAAACTCATCAACTGGACAGGTTTC[A>G]TAGCGGCAGACATTAAAGGTACAGGTTCCTGGACTCAGCTCTATTTGATTACTGATTACC-3'
Protein context (NP_004320.2, residues 282-302): LMRHENILGF[Ile292Val]AADIKGTGSW